The following is an entry in ClinVar:

ClinVar aggregate classification (germline): Uncertain significance. Review status: criteria provided, multiple submitters, no conflicts (2 of 4 stars). 2 submissions from 2 submitters: Uncertain significance (2). Last evaluated 2025-06-26.

Conditions:
Nephronophthisis 12 (NPHP12). Identifiers: Orphanet 655, MedGen C3151186, MONDO:0013442, OMIM 613820.
Asphyxiating thoracic dystrophy 4 (SRTD4). Also called: SHORT-RIB THORACIC DYSPLASIA 4 WITH OR WITHOUT POLYDACTYLY; SHORT-RIB THORACIC DYSPLASIA 4. Identifiers: Orphanet 474, MedGen C3151185, MONDO:0013441, OMIM 613819.
TTC21B-related disorder. Also called: TTC21B-related disorders; TTC21B-related condition.

gnomAD v4.1: 3 of 1,613,066 alleles (0.00019%); highest among the groups gnomAD compares: African/African-American, 0.004%; no homozygotes.

Submissions (2):

PreventionGenetics, part of Exact Sciences
Classification: Uncertain significance for TTC21B-related condition. Last evaluated: 2025-06-26. Review status: criteria provided, single submitter. Criteria: ACMG Guidelines, 2015. Collection method: clinical testing. Allele origin: germline.
Comment: The TTC21B c.2533G>C variant is predicted to result in the amino acid substitution p.Glu845Gln. To our knowledge, this variant has not been reported in the literature. This variant is reported in 0.018% of alleles in individuals of African descent in gnomAD. At this time, the clinical significance of this variant is uncertain due to the absence of conclusive functional and genetic evidence.

Fulgent Genetics
Classification: Uncertain significance for Asphyxiating thoracic dystrophy 4; Nephronophthisis 12. Last evaluated: 2024-01-09. Review status: criteria provided, single submitter. Criteria: ACMG Guidelines, 2015. Collection method: clinical testing. Allele origin: germline.

NM_024753.5(TTC21B):c.2533G>C (p.Glu845Gln)

Gene: TTC21B (tetratricopeptide repeat domain 21B; minus strand). Cytogenetic location: 2q24.3.
Variant type: single nucleotide variant.
Coding change: c.2533G>C on transcript NM_024753.5 (MANE Select); coding-DNA position 2533, G replaced by C.
Protein change: p.Glu845Gln; replaces glutamic acid 845 with glutamine.
Molecular consequence: missense variant.
Genome position (GRCh38, 1-based): chr2:165,907,713, C>G on the plus strand (G>C on the coding strand, the complement: TTC21B is on the minus strand). VCF-style: chr2-165907713-C-G. GRCh37 (hg19) VCF-style: chr2-166764223-C-G.
Other names: c.2533G>C (NM_024753.4); short protein forms E845Q.
Identifiers: ClinVar variation 3584607 (VCV003584607.2).
Genomic context (GRCh38, chr2:165,907,713, plus strand): 5'-CACACTCACAGACAAATGTGTTTACCTGTTGTAATGCAGTGATCGCATCACCAAGTTTTT[C>G]CATTTTACTATAAACTTTTGCTAGAAGAACTTGACAACGTCCATCCTCCATGAGAGCTGA-3'
Protein context (NP_079029.3, residues 835-855): VLLAKVYSKM[Glu845Gln]KLGDAITALQ